The following is an entry in ClinVar:

NM_002850.4(PTPRS):c.5675C>A (p.Thr1892Lys)

Gene: PTPRS (protein tyrosine phosphatase receptor type S; minus strand). Cytogenetic location: 19p13.3.
Variant type: single nucleotide variant.
Coding change: c.5675C>A on transcript NM_002850.4 (MANE Select); coding-DNA position 5675, C replaced by A.
Protein change: p.Thr1892Lys; replaces threonine 1892 with lysine.
Molecular consequence: missense variant.
Genome position (GRCh38, 1-based): chr19:5,208,025, G>T on the plus strand (C>A on the coding strand, the complement: PTPRS is on the minus strand). VCF-style: chr19-5208025-G-T. GRCh37 (hg19) VCF-style: chr19-5208036-G-T.
Other names: c.5609C>A, p.Thr1870Lys (NM_001394011.1); c.5588C>A, p.Thr1863Lys (NM_001394012.1); c.5549C>A, p.Thr1850Lys (NM_001394013.1); c.4334C>A, p.Thr1445Lys (NM_130853.3); c.5561C>A, p.Thr1854Lys (NM_130854.3); c.4346C>A, p.Thr1449Lys (NM_130855.3); short protein forms T1445K, T1449K, T1850K, T1854K, T1863K, T1870K, T1892K.
Identifiers: ClinVar variation 2630107 (VCV002630107.1), dbSNP rs772956659, ClinGen allele CA403500244.

ClinVar aggregate classification (germline): Uncertain significance (1 of 4 stars; one submission).

Conditions:
PTPRS-related disorder. Also called: PTPRS-related condition.

Submission:

PreventionGenetics, part of Exact Sciences
Classification: Uncertain significance for PTPRS-related condition. Last evaluated: 2023-01-05. Review status: criteria provided, single submitter. Criteria: ACMG Guidelines, 2015. Collection method: clinical testing. Allele origin: germline.
Comment: The PTPRS c.5675C>A variant is predicted to result in the amino acid substitution p.Thr1892Lys. To our knowledge, this variant has not been reported in the literature or in a large population database, indicating this variant is rare. At this time, the clinical significance of this variant is uncertain due to the absence of conclusive functional and genetic evidence.